The following is an entry in ClinVar:

ClinVar aggregate classification (germline): Uncertain significance. Review status: criteria provided, multiple submitters, no conflicts (2 of 4 stars). 2 submissions from 2 submitters: Uncertain significance (2). Last evaluated 2023-08-01.

Conditions:
Aicardi-Goutieres syndrome 5. Identifiers: Orphanet 51, MedGen C2749659, MONDO:0013059, OMIM 612952.
SAMHD1-related disorder. Also called: SAMHD1-related condition.

Allele frequency attached by ClinVar (database versions not stated): gnomAD 0.00001; ExAC 0.00002; gnomAD exomes 0.00002; TOPMed 0.00002.
gnomAD v4.1: 30 of 1,610,776 alleles (0.0019%); highest among the groups gnomAD compares: East Asian, 0.0045%; no homozygotes.

Submissions (2):

PreventionGenetics, part of Exact Sciences
Classification: Uncertain significance for SAMHD1-related condition. Last evaluated: 2023-08-01. Review status: criteria provided, single submitter. Criteria: ACMG Guidelines, 2015. Collection method: clinical testing. Allele origin: germline.
Comment: The SAMHD1 c.695C>T variant is predicted to result in the amino acid substitution p.Thr232Met. This variant has been identified in a large intestine tumor, colorectal, and soft tissue cancer case (Table S1 Rentoft et al. 2016. PubMed ID: 27071091; Kohnken et al. 2015. PubMed ID: 26416562; Schott et al. 2022. PubMed ID: 34480199). In vitro studies showed the p.Thr232Met variant increased transcription replication conflicts compared to wildtype (Table S1 Schott et al. 2022. PubMed ID: 34480199). This variant is reported in 0.0050% of alleles in individuals of East Asian descent in gnomAD. At this time, the clinical significance of this variant is uncertain due to the absence of conclusive functional and genetic evidence.

Labcorp Genetics (formerly Invitae), Labcorp
Classification: Uncertain significance for Aicardi-Goutieres syndrome 5. Last evaluated: 2022-07-19. Review status: criteria provided, single submitter. Criteria: Invitae Variant Classification Sherloc (09022015). Collection method: clinical testing. Allele origin: germline.
Comment: This sequence change replaces threonine, which is neutral and polar, with methionine, which is neutral and non-polar, at codon 232 of the SAMHD1 protein (p.Thr232Met). This variant is present in population databases (rs766842258, gnomAD 0.005%). This variant has not been reported in the literature in individuals affected with SAMHD1-related conditions. Algorithms developed to predict the effect of missense changes on protein structure and function are either unavailable or do not agree on the potential impact of this missense change (SIFT: "Deleterious"; PolyPhen-2: "Possibly Damaging"; Align-GVGD: "Class C0"). Experimental studies have shown that this missense change affects SAMHD1 function (PMID: 33857133). Algorithms developed to predict the effect of sequence changes on RNA splicing suggest that this variant may disrupt the consensus splice site. In summary, the available evidence is currently insufficient to determine the role of this variant in disease. Therefore, it has been classified as a Variant of Uncertain Significance.

Literature cited by the submitters: PubMed 33857133 (cited by Labcorp Genetics (formerly Invitae), Labcorp).

NM_015474.4(SAMHD1):c.695C>T (p.Thr232Met)

Gene: SAMHD1 (SAM and HD domain containing deoxynucleoside triphosphate triphosphohydrolase 1; minus strand). Cytogenetic location: 20q11.23.
Variant type: single nucleotide variant.
Coding change: c.695C>T on transcript NM_015474.4 (MANE Select); coding-DNA position 695, C replaced by T.
Protein change: p.Thr232Met; replaces threonine 232 with methionine.
Molecular consequence: missense variant.
Genome position (GRCh38, 1-based): chr20:36,927,183, G>A on the plus strand (C>T on the coding strand, the complement: SAMHD1 is on the minus strand). VCF-style: chr20-36927183-G-A. GRCh37 (hg19) VCF-style: chr20-35555586-G-A.
Other names: c.695C>T, p.Thr232Met (NM_001363729.2, NM_001363733.2); short protein forms T232M.
Identifiers: ClinVar variation 2177184 (VCV002177184.2), dbSNP rs766842258, ClinGen allele CA9844675.
Genomic context (GRCh38, chr20:36,927,183, plus strand): 5'-TAAATAACCTGCTTAAATAGTCTTTCTTTTTATTGACTATTGACTGTATGAATACATACC[G>A]TCCATTTCACCTCCGGGCGAGCAAGTGGAATAAATCGTCCATCAAACATGTGAGAAAATG-3'
Protein context (NP_056289.2, residues 222-242): IPLARPEVKW[Thr232Met]HEQGSVMMFE